The following is an entry in ClinVar:

NM_006766.5(KAT6A):c.3263T>G (p.Leu1088Trp)

Gene: KAT6A (lysine acetyltransferase 6A; minus strand). Cytogenetic location: 8p11.21.
Variant type: single nucleotide variant.
Coding change: c.3263T>G on transcript NM_006766.5 (MANE Select); coding-DNA position 3263, T replaced by G.
Protein change: p.Leu1088Trp; replaces leucine 1088 with tryptophan.
Molecular consequence: missense variant.
Genome position (GRCh38, 1-based): chr8:41,937,345, A>C on the plus strand (T>G on the coding strand, the complement: KAT6A is on the minus strand). VCF-style: chr8-41937345-A-C. GRCh37 (hg19) VCF-style: chr8-41794863-A-C.
Other names: short protein forms L1088W.
Identifiers: ClinVar variation 3609203 (VCV003609203.2).
Genomic context (GRCh38, chr8:41,937,345, plus strand): 5'-TCTTCATCTTTAGACTTCCTCTTAGAAGAGGACTGACACCTGAGTACATCCTGCGAAGAC[A>C]AACGACGGAAGTATTCTCTAGGGAAAAGTTCATTTTCATCCTCTTCCTCCTCTTCTTCAT-3'
Protein context (NP_006757.2, residues 1078-1098): ELFPREYFRR[Leu1088Trp]SSQDVLRCQS

ClinVar aggregate classification (germline): Uncertain significance (1 of 4 stars; one submission).

Submission:

Labcorp Genetics (formerly Invitae), Labcorp
Classification: Uncertain significance. Last evaluated: 2024-11-21. Review status: criteria provided, single submitter. Criteria: Invitae Variant Classification Sherloc (09022015). Collection method: clinical testing. Allele origin: germline.
Comment: This sequence change replaces leucine, which is neutral and non-polar, with tryptophan, which is neutral and slightly polar, at codon 1088 of the KAT6A protein (p.Leu1088Trp). This variant is not present in population databases (gnomAD no frequency). This variant has not been reported in the literature in individuals affected with KAT6A-related conditions. Invitae Evidence Modeling of protein sequence and biophysical properties (such as structural, functional, and spatial information, amino acid conservation, physicochemical variation, residue mobility, and thermodynamic stability) indicates that this missense variant is not expected to disrupt KAT6A protein function with a negative predictive value of 95%. In summary, the available evidence is currently insufficient to determine the role of this variant in disease. Therefore, it has been classified as a Variant of Uncertain Significance.